The following is an entry in ClinVar:

ClinVar aggregate classification (germline): Benign. Review status: criteria provided, multiple submitters, no conflicts (2 of 4 stars). 2 submissions from 2 submitters: Benign (2). Last evaluated 2026-01-22.

Allele frequency attached by ClinVar (database versions not stated): gnomAD exomes 0.00031 and 0.00096; ExAC 0.00124; gnomAD 0.00334 and 0.00349; ESP Exome Variant Server 0.00335; TOPMed 0.00359; 1000 Genomes Project 0.00479; 1000 Genomes Project 30x 0.00547.
gnomAD v4.1: 997 of 1,613,942 alleles (0.062%); highest among the groups gnomAD compares: African/African-American, 1.1%; 3 homozygotes.

Submissions (2):

Labcorp Genetics (formerly Invitae), Labcorp
Classification: Benign. Last evaluated: 2026-01-22. Review status: criteria provided, single submitter. Criteria: Invitae Variant Classification Sherloc (09022015). Collection method: clinical testing. Allele origin: germline.

CeGaT Center for Human Genetics Tuebingen
Classification: Benign. Last evaluated: 2022-03-01. Review status: criteria provided, single submitter. Criteria: CeGaT Center For Human Genetics Tuebingen Variant Classification Criteria Version 2. Collection method: clinical testing. Allele origin: germline. Affected: yes. Observed: 1 variant allele.
Comment: ITGAM: BS1, BS2

NM_000632.4(ITGAM):c.2760G>A (p.Pro920=)

Gene: ITGAM (integrin subunit alpha M; plus strand). Cytogenetic location: 16p11.2.
Variant type: single nucleotide variant.
Coding change: c.2760G>A on transcript NM_000632.4 (MANE Select); coding-DNA position 2760, G replaced by A.
Protein change: p.Pro920=; no amino-acid change (proline 920 retained).
Molecular consequence: synonymous variant.
Genome position (GRCh38, 1-based): chr16:31,328,198, G>A. VCF-style: chr16-31328198-G-A. GRCh37 (hg19) VCF-style: chr16-31339519-G-A.
Other names: c.2763G>A, p.Pro921= (NM_001145808.2).
Identifiers: ClinVar variation 777009 (VCV000777009.34), dbSNP rs116037476, ClinGen allele CA8025964.
Genomic context (GRCh38, chr16:31,328,198, plus strand): 5'-TCCCTCCAGTGAGAACAACATGCCCAGAACCAACAAAACCGAATTCCAACTGGAGCTGCC[G>A]GTGAAATATGCTGTCTACATGGTGGTCACCAGGTGCTGGCTTCCAGGACTTTAGCTGAGC-3'
Protein context (NP_000623.2, residues 910-930): TNKTEFQLEL[Pro920=]VKYAVYMVVT